The following is an entry in ClinVar:

ClinVar aggregate classification (germline): Uncertain significance (1 of 4 stars; one submission).

gnomAD v4.1: 1 of 1,614,066 alleles (0.000062%); highest among the groups gnomAD compares: South Asian, 0.0011%; no homozygotes.

Submission:

Labcorp Genetics (formerly Invitae), Labcorp
Classification: Uncertain significance. Last evaluated: 2023-12-07. Review status: criteria provided, single submitter. Criteria: Invitae Variant Classification Sherloc (09022015). Collection method: clinical testing. Allele origin: germline.
Comment: This sequence change replaces threonine, which is neutral and polar, with lysine, which is basic and polar, at codon 78 of the TMEM126A protein (p.Thr78Lys). This variant is not present in population databases (gnomAD no frequency). This variant has not been reported in the literature in individuals affected with TMEM126A-related conditions. ClinVar contains an entry for this variant (Variation ID: 2131724). An algorithm developed to predict the effect of missense changes on protein structure and function (PolyPhen-2) suggests that this variant is likely to be disruptive. In summary, the available evidence is currently insufficient to determine the role of this variant in disease. Therefore, it has been classified as a Variant of Uncertain Significance.

NM_032273.4(TMEM126A):c.233C>A (p.Thr78Lys)

Gene: TMEM126A (transmembrane protein 126A; plus strand). Cytogenetic location: 11q14.1.
Variant type: single nucleotide variant.
Coding change: c.233C>A on transcript NM_032273.4 (MANE Select); coding-DNA position 233, C replaced by A.
Protein change: p.Thr78Lys; replaces threonine 78 with lysine.
Molecular consequence: missense variant.
Genome position (GRCh38, 1-based): chr11:85,654,209, C>A. VCF-style: chr11-85654209-C-A. GRCh37 (hg19) VCF-style: chr11-85365253-C-A.
Other names: c.23C>A, p.Thr8Lys (NM_001244735.2); short protein forms T8K, T78K.
Identifiers: ClinVar variation 2131724 (VCV002131724.4), dbSNP rs565261459, ClinGen allele CA225302742.